The following is an entry in ClinVar:

ClinVar aggregate classification (germline): Uncertain significance (1 of 4 stars; one submission).

Conditions:
Primary dilated cardiomyopathy (DCM). Also called: Dilated Cardiomyopathy. Identifiers: Orphanet 217604, MedGen C0007193, MeSH D002311, MONDO:0005021, HP:0001644. Inheritance: Various modes of inheritance.
Hypertrophic cardiomyopathy. Also called: HYPERTROPHIC MYOCARDIOPATHY. Identifiers: Orphanet 217569, MedGen C0007194, MeSH D002312, MONDO:0005045, HP:0001639.

Allele frequency attached by ClinVar (database versions not stated): gnomAD exomes 0.00001; ExAC 0.00002; gnomAD 0.00003; 1000 Genomes Project 0.00060; 1000 Genomes Project 30x 0.00062.
gnomAD v4.1: 15 of 1,602,208 alleles (0.00094%); highest among the groups gnomAD compares: South Asian, 0.012%; no homozygotes.

Submission:

Labcorp Genetics (formerly Invitae), Labcorp
Classification: Uncertain significance for Hypertrophic cardiomyopathy; Primary dilated cardiomyopathy. Last evaluated: 2024-10-30. Review status: criteria provided, single submitter. Criteria: Invitae Variant Classification Sherloc (09022015). Collection method: clinical testing. Allele origin: germline.
Comment: This sequence change replaces histidine, which is basic and polar, with arginine, which is basic and polar, at codon 86 of the PDLIM3 protein (p.His86Arg). This variant is present in population databases (rs577853473, gnomAD 0.01%). This variant has not been reported in the literature in individuals affected with PDLIM3-related conditions. ClinVar contains an entry for this variant (Variation ID: 2930674). Invitae Evidence Modeling of protein sequence and biophysical properties (such as structural, functional, and spatial information, amino acid conservation, physicochemical variation, residue mobility, and thermodynamic stability) indicates that this missense variant is not expected to disrupt PDLIM3 protein function with a negative predictive value of 80%. In summary, the available evidence is currently insufficient to determine the role of this variant in disease. Therefore, it has been classified as a Variant of Uncertain Significance.

NM_014476.6(PDLIM3):c.257A>G (p.His86Arg)

Gene: PDLIM3 (PDZ and LIM domain 3; minus strand). Cytogenetic location: 4q35.1.
Variant type: single nucleotide variant.
Coding change: c.257A>G on transcript NM_014476.6 (MANE Select); coding-DNA position 257, A replaced by G.
Protein change: p.His86Arg; replaces histidine 86 with arginine.
Molecular consequence: missense variant. On other transcripts: non-coding transcript variant (1), intron variant (1).
Genome position (GRCh38, 1-based): chr4:185,523,435, T>C on the plus strand (A>G on the coding strand, the complement: PDLIM3 is on the minus strand). VCF-style: chr4-185523435-T-C. GRCh37 (hg19) VCF-style: chr4-186444589-T-C.
Other names: c.257A>G, p.His86Arg (NM_001114107.5, NM_001257962.2); c.94-9098A>G (NM_001257963.2); short protein forms H86R.
Identifiers: ClinVar variation 2930674 (VCV002930674.3), dbSNP rs577853473, ClinGen allele CA3159859.